The following is an entry in ClinVar:

ClinVar aggregate classification (germline): Conflicting classifications of pathogenicity. Review status: criteria provided, conflicting classifications (1 of 4 stars). 2 submissions from 2 submitters: Uncertain significance (1); Likely benign (1). Last evaluated 2025-11-12.

gnomAD v4.1: 23 of 1,609,394 alleles (0.0014%); highest among the groups gnomAD compares: South Asian, 0.0022%; no homozygotes.

Submissions (2):

Labcorp Genetics (formerly Invitae), Labcorp
Classification: Uncertain significance. Last evaluated: 2025-11-12. Review status: criteria provided, single submitter. Criteria: Invitae Variant Classification Sherloc (09022015). Collection method: clinical testing. Allele origin: germline.
Comment: This sequence change replaces alanine, which is neutral and non-polar, with threonine, which is neutral and polar, at codon 272 of the RBPJ protein (p.Ala272Thr). This variant is present in population databases (rs753437611, gnomAD 0.003%). This variant has not been reported in the literature in individuals affected with RBPJ-related conditions. Invitae Evidence Modeling of protein sequence and biophysical properties (such as structural, functional, and spatial information, amino acid conservation, physicochemical variation, residue mobility, and thermodynamic stability) indicates that this missense variant is not expected to disrupt RBPJ protein function with a negative predictive value of 80%. In summary, the available evidence is currently insufficient to determine the role of this variant in disease. Therefore, it has been classified as a Variant of Uncertain Significance.

Blueprint Genetics
Classification: Likely benign. Last evaluated: 2024-07-04. Review status: criteria provided, single submitter. Criteria: ACMG Guidelines, 2015. Collection method: clinical testing. Allele origin: germline.

NM_015874.6(RBPJ):c.775G>A (p.Ala259Thr)

Gene: RBPJ (recombination signal binding protein for immunoglobulin kappa J region; plus strand). Cytogenetic location: 4p15.2.
Variant type: single nucleotide variant.
Coding change: c.775G>A on transcript NM_015874.6 (MANE Select); coding-DNA position 775, G replaced by A.
Protein change: p.Ala259Thr; replaces alanine 259 with threonine.
Molecular consequence: missense variant.
Genome position (GRCh38, 1-based): chr4:26,428,747, G>A. VCF-style: chr4-26428747-G-A. GRCh37 (hg19) VCF-style: chr4-26430369-G-A.
Other names: c.709G>A, p.Ala237Thr (NM_001363577.2, NM_203283.5); c.814G>A, p.Ala272Thr (NM_001374400.1, NM_001379408.1, NM_005349.4); c.772G>A, p.Ala258Thr (NM_001374401.1, NM_001374402.1, NM_001374403.1 and 3 more transcripts); c.769G>A, p.Ala257Thr (NM_001379409.1); short protein forms A237T, A258T, A272T, A257T, A259T.
Identifiers: ClinVar variation 4700526 (VCV004700526.2).
Genomic context (GRCh38, chr4:26,428,747, plus strand): 5'-GATGACCTTTTATTTCTTAATTGTTAAATATAGATAATTAGGAAAGTTGATAAGCAGACC[G>A]CATTATTGGATGCAGATGATCCTGTGTCACAACTCCATAAATGTGCATTTTACCTTAAGG-3'
Protein context (NP_056958.3, residues 249-269): LIIRKVDKQT[Ala259Thr]LLDADDPVSQ